The following is an entry in ClinVar:

ClinVar aggregate classification (germline): Conflicting classifications of pathogenicity. Review status: criteria provided, conflicting classifications (1 of 4 stars). 3 submissions from 3 submitters: Uncertain significance (2); Likely benign (1). Last evaluated 2024-09-20.

Conditions:
Hereditary cancer-predisposing syndrome. Also called: Tumor predisposition; Neoplastic Syndromes, Hereditary; Hereditary Cancer Syndrome; Hereditary neoplastic syndrome. Identifiers: Orphanet 140162, MedGen C0027672, MeSH D009386, MONDO:0015356.
Hereditary diffuse gastric adenocarcinoma (HDGC). Also called: DIFFUSE GASTRIC AND LOBULAR BREAST CANCER SYNDROME. Identifiers: Orphanet 26106, MedGen C1708349, MONDO:0007648, OMIM 137215.

Allele frequency attached by ClinVar (database versions not stated): gnomAD exomes below 0.00001.
gnomAD v4.1: 4 of 1,613,792 alleles (0.00025%); highest among the groups gnomAD compares: Non-Finnish European, 0.00034%; no homozygotes.

Submissions (3):

Myriad Genetics, Inc.
Classification: Likely benign for Hereditary diffuse gastric adenocarcinoma. Last evaluated: 2024-09-20. Review status: criteria provided, single submitter. Criteria: Myriad Autosomal Dominant, Autosomal Recessive and X-Linked Classification Criteria (2023). Collection method: clinical testing. Allele origin: unknown.
Comment: This variant is considered likely benign. This variant is intronic and is not expected to impact mRNA splicing.

Labcorp Genetics (formerly Invitae), Labcorp
Classification: Uncertain significance for Hereditary diffuse gastric adenocarcinoma. Last evaluated: 2022-06-18. Review status: criteria provided, single submitter. Criteria: Invitae Variant Classification Sherloc (09022015). Collection method: clinical testing. Allele origin: germline.
Comment: In summary, the available evidence is currently insufficient to determine the role of this variant in disease. Therefore, it has been classified as a Variant of Uncertain Significance. Algorithms developed to predict the effect of sequence changes on RNA splicing suggest that this variant may disrupt the consensus splice site. ClinVar contains an entry for this variant (Variation ID: 628903). This variant has not been reported in the literature in individuals affected with CDH1-related conditions. This variant is not present in population databases (gnomAD no frequency). This sequence change falls in intron 13 of the CDH1 gene. It does not directly change the encoded amino acid sequence of the CDH1 protein.

Color Diagnostics, LLC DBA Color Health
Classification: Uncertain significance for Hereditary cancer-predisposing syndrome. Last evaluated: 2019-04-05. Review status: criteria provided, single submitter. Criteria: ACMG Guidelines, 2015. Collection method: clinical testing. Allele origin: germline.

NM_004360.5(CDH1):c.2165-5C>T

Gene: CDH1 (cadherin 1; plus strand). Cytogenetic location: 16q22.1.
Variant type: single nucleotide variant.
Coding change: c.2165-5C>T on transcript NM_004360.5 (MANE Select); 5 bases into the intron before coding-DNA position 2165, C replaced by T.
Molecular consequence: intron variant.
Genome position (GRCh38, 1-based): chr16:68,828,169, C>T. VCF-style: chr16-68828169-C-T. GRCh37 (hg19) VCF-style: chr16-68862072-C-T.
Other names: c.617-5C>T (NM_001317185.2); c.200-5C>T (NM_001317186.2); c.1982-5C>T (NM_001317184.2).
Identifiers: ClinVar variation 628903 (VCV000628903.9), dbSNP rs1567515317, ClinGen allele CA913188812.